The following is an entry in ClinVar:

ClinVar aggregate classification (germline): Uncertain significance (1 of 4 stars; one submission).

Conditions:
DOCK2 deficiency. Also called: Immunodeficiency 40. Identifiers: Orphanet 447737, MedGen C4225328, MONDO:0014637, OMIM 616433.

Allele frequency attached by ClinVar (database versions not stated): ExAC 0.00001; gnomAD exomes 0.00001.
gnomAD v4.1: 8 of 1,613,910 alleles (0.0005%); highest among the groups gnomAD compares: Admixed American, 0.0033%; no homozygotes.

Submission:

Labcorp Genetics (formerly Invitae), Labcorp
Classification: Uncertain significance for DOCK2 deficiency. Last evaluated: 2021-04-05. Review status: criteria provided, single submitter. Criteria: Invitae Variant Classification Sherloc (09022015). Collection method: clinical testing. Allele origin: germline.
Comment: In summary, the available evidence is currently insufficient to determine the role of this variant in disease. Therefore, it has been classified as a Variant of Uncertain Significance. Algorithms developed to predict the effect of missense changes on protein structure and function are either unavailable or do not agree on the potential impact of this missense change (SIFT: "Deleterious"; PolyPhen-2: "Probably Damaging"; Align-GVGD: "Class C0"). This variant has not been reported in the literature in individuals with DOCK2-related conditions. This variant is present in population databases (rs748096915, ExAC 0.009%). This sequence change replaces threonine with methionine at codon 281 of the DOCK2 protein (p.Thr281Met). The threonine residue is highly conserved and there is a moderate physicochemical difference between threonine and methionine.

NM_004946.3(DOCK2):c.842C>T (p.Thr281Met)

Gene: DOCK2 (dedicator of cytokinesis 2; plus strand). Cytogenetic location: 5q35.1.
Variant type: single nucleotide variant.
Coding change: c.842C>T on transcript NM_004946.3 (MANE Select); coding-DNA position 842, C replaced by T.
Protein change: p.Thr281Met; replaces threonine 281 with methionine.
Molecular consequence: missense variant. On other transcripts: non-coding transcript variant (1).
Genome position (GRCh38, 1-based): chr5:169,689,332, C>T. VCF-style: chr5-169689332-C-T. GRCh37 (hg19) VCF-style: chr5-169116336-C-T.
Other names: short protein forms T281M.
Identifiers: ClinVar variation 1502657 (VCV001502657.8), dbSNP rs748096915, ClinGen allele CA3553265.